The following is an entry in ClinVar:

NM_139281.3(WDR36):c.2341A>T (p.Asn781Tyr)

Gene: WDR36 (WD repeat domain 36; plus strand). Cytogenetic location: 5q22.1.
Variant type: single nucleotide variant.
Coding change: c.2341A>T on transcript NM_139281.3 (MANE Select); coding-DNA position 2341, A replaced by T.
Protein change: p.Asn781Tyr; replaces asparagine 781 with tyrosine.
Molecular consequence: missense variant.
Genome position (GRCh38, 1-based): chr5:111,124,180, A>T. VCF-style: chr5-111124180-A-T. GRCh37 (hg19) VCF-style: chr5-110459878-A-T.
Other names: short protein forms N781Y.
Identifiers: ClinVar variation 4691074 (VCV004691074.1).
Genomic context (GRCh38, chr5:111,124,180, plus strand): 5'-AATCTTGGAGTTTTGGCTCAAAAATCAGATTTCTGCTTGAAACTTGAAGAAGGACTGGTA[A>T]ATAATAAGTGTAAGTTGAATTATAAGATATTTTAACTAATATATTTAGCTTATTTTACTG-3'
Protein context (NP_644810.2, residues 771-791): FCLKLEEGLV[Asn781Tyr]NKYDTALNLL

ClinVar aggregate classification (germline): Uncertain significance (1 of 4 stars; one submission).

gnomAD v4.1: 37 of 1,611,108 alleles (0.0023%); highest among the groups gnomAD compares: Non-Finnish European, 0.003%; no homozygotes.

Submission:

Labcorp Genetics (formerly Invitae), Labcorp
Classification: Uncertain significance. Last evaluated: 2025-04-28. Review status: criteria provided, single submitter. Criteria: Invitae Variant Classification Sherloc (09022015). Collection method: clinical testing. Allele origin: germline.
Comment: This sequence change replaces asparagine, which is neutral and polar, with tyrosine, which is neutral and polar, at codon 837 of the WDR36 protein (p.Asn837Tyr). This variant is present in population databases (rs774141068, gnomAD 0.008%). This variant has not been reported in the literature in individuals affected with WDR36-related conditions. Invitae Evidence Modeling of protein sequence and biophysical properties (such as structural, functional, and spatial information, amino acid conservation, physicochemical variation, residue mobility, and thermodynamic stability) indicates that this missense variant is not expected to disrupt WDR36 protein function with a negative predictive value of 80%. In summary, the available evidence is currently insufficient to determine the role of this variant in disease. Therefore, it has been classified as a Variant of Uncertain Significance.